The following is an entry in ClinVar:

NM_015909.4(NBAS):c.2713G>A (p.Glu905Lys)

Gene: NBAS (NBAS subunit of NRZ tethering complex; minus strand). Cytogenetic location: 2p24.3.
Variant type: single nucleotide variant.
Coding change: c.2713G>A on transcript NM_015909.4 (MANE Select); coding-DNA position 2713, G replaced by A.
Protein change: p.Glu905Lys; replaces glutamic acid 905 with lysine.
Molecular consequence: missense variant. On other transcripts: non-coding transcript variant (1).
Genome position (GRCh38, 1-based): chr2:15,417,577, C>T on the plus strand (G>A on the coding strand, the complement: NBAS is on the minus strand). VCF-style: chr2-15417577-C-T. GRCh37 (hg19) VCF-style: chr2-15557701-C-T.
Other names: short protein forms E905K.
Identifiers: ClinVar variation 1377083 (VCV001377083.8), dbSNP rs2148463823, ClinGen allele CA345886707.

ClinVar aggregate classification (germline): Uncertain significance (1 of 4 stars; one submission).

gnomAD v4.1: 2 of 1,613,952 alleles (0.00012%); highest among the groups gnomAD compares: Non-Finnish European, 0.00017%; no homozygotes.

Submission:

Labcorp Genetics (formerly Invitae), Labcorp
Classification: Uncertain significance. Last evaluated: 2022-07-12. Review status: criteria provided, single submitter. Criteria: Invitae Variant Classification Sherloc (09022015). Collection method: clinical testing. Allele origin: germline.
Comment: This variant has not been reported in the literature in individuals affected with NBAS-related conditions. In summary, the available evidence is currently insufficient to determine the role of this variant in disease. Therefore, it has been classified as a Variant of Uncertain Significance. Algorithms developed to predict the effect of missense changes on protein structure and function are either unavailable or do not agree on the potential impact of this missense change (SIFT: "Deleterious"; PolyPhen-2: "Benign"; Align-GVGD: "Class C55"). ClinVar contains an entry for this variant (Variation ID: 1377083). This variant is not present in population databases (gnomAD no frequency). This sequence change replaces glutamic acid, which is acidic and polar, with lysine, which is basic and polar, at codon 905 of the NBAS protein (p.Glu905Lys).